The following is an entry in ClinVar:

ClinVar aggregate classification (germline): Uncertain significance (1 of 4 stars; one submission).

Submission:

Labcorp Genetics (formerly Invitae), Labcorp
Classification: Uncertain significance. Last evaluated: 2023-11-06. Review status: criteria provided, single submitter. Criteria: Invitae Variant Classification Sherloc (09022015). Collection method: clinical testing. Allele origin: germline.
Comment: This variant results in a copy number gain of the genomic region encompassing exon(s) 1 of the FGF12 gene. This region includes the initiator codon of the gene. This copy number gain extends beyond the assayed region for this gene and therefore may encompass additional genes. As the precise location of this event is unknown, it may be in tandem or it may be located elsewhere in the genome. A similar copy number variant has been observed in individual(s) with clinical features of FGF12-related conditions (Invitae). Experimental studies and prediction algorithms are not available or were not evaluated, and the functional significance of this variant is currently unknown. In summary, the available evidence is currently insufficient to determine the role of this variant in disease. Therefore, it has been classified as a Variant of Uncertain Significance.

NC_000003.11:g.(?_192125794)_(192126012_?)dup

Gene: FGF12 (fibroblast growth factor 12; minus strand). Cytogenetic location: 3q28.
Variant type: Duplication.
Identifiers: ClinVar variation 2426652 (VCV002426652.4).